The following is an entry in ClinVar:

ClinVar aggregate classification (germline): Conflicting classifications of pathogenicity. Review status: criteria provided, conflicting classifications (1 of 4 stars). 2 submissions from 2 submitters: Uncertain significance (1); Likely benign (1). Last evaluated 2022-10-13.

Conditions:
Autosomal dominant childhood-onset proximal spinal muscular atrophy with contractures (SMALED2A). Also called: SPINAL MUSCULAR ATROPHY, LOWER EXTREMITY-PREDOMINANT, 2A, CHILDHOOD ONSET, AUTOSOMAL DOMINANT; Spinal muscular atrophy, lower extremity-predominant, 2A, autosomal dominant. Identifiers: Orphanet 363447, Orphanet 363454, MedGen C4747715, MONDO:0014121, OMIM 615290.
Inborn genetic diseases. Identifiers: MedGen C0950123, MeSH D030342.

Allele frequency attached by ClinVar (database versions not stated): gnomAD exomes below 0.00001 and 0.00001; TOPMed below 0.00001; ExAC 0.00001.
gnomAD v4.1: 4 of 1,613,760 alleles (0.00025%); highest among the groups gnomAD compares: East Asian, 0.0022%; no homozygotes.

Submissions (2):

Labcorp Genetics (formerly Invitae), Labcorp
Classification: Likely benign for Autosomal dominant childhood-onset proximal spinal muscular atrophy with contractures. Last evaluated: 2022-10-13. Review status: criteria provided, single submitter. Criteria: Invitae Variant Classification Sherloc (09022015). Collection method: clinical testing. Allele origin: germline.

Ambry Genetics
Classification: Uncertain significance for Inborn genetic diseases. Last evaluated: 2021-09-16. Review status: criteria provided, single submitter. Criteria: Ambry Variant Classification Scheme 2023. Collection method: clinical testing. Allele origin: germline.
Comment: The p.N629S variant (also known as c.1886A>G), located in coding exon 5 of the BICD2 gene, results from an A to G substitution at nucleotide position 1886. The asparagine at codon 629 is replaced by serine, an amino acid with highly similar properties. This amino acid position is conserved. In addition, this alteration is predicted to be tolerated by in silico analysis. Since supporting evidence is limited at this time, the clinical significance of this alteration remains unclear.

NM_001003800.2(BICD2):c.1886A>G (p.Asn629Ser)

Gene: BICD2 (BICD cargo adaptor 2; minus strand). Cytogenetic location: 9q22.31.
Variant type: single nucleotide variant.
Coding change: c.1886A>G on transcript NM_001003800.2 (MANE Select); coding-DNA position 1886, A replaced by G.
Protein change: p.Asn629Ser; replaces asparagine 629 with serine.
Molecular consequence: missense variant.
Genome position (GRCh38, 1-based): chr9:92,718,759, T>C on the plus strand (A>G on the coding strand, the complement: BICD2 is on the minus strand). VCF-style: chr9-92718759-T-C. GRCh37 (hg19) VCF-style: chr9-95481041-T-C.
Other names: c.1886A>G, p.Asn629Ser (NM_015250.4); short protein forms N629S.
Identifiers: ClinVar variation 661093 (VCV000661093.13), dbSNP rs768918778, ClinGen allele CA5126462.